The following is an entry in ClinVar:

NM_004990.4(MARS1):c.667G>A (p.Glu223Lys)

Gene: MARS1 (methionyl-tRNA synthetase 1; plus strand). Cytogenetic location: 12q13.3.
Variant type: single nucleotide variant.
Coding change: c.667G>A on transcript NM_004990.4 (MANE Select); coding-DNA position 667, G replaced by A.
Protein change: p.Glu223Lys; replaces glutamic acid 223 with lysine.
Molecular consequence: missense variant.
Genome position (GRCh38, 1-based): chr12:57,490,541, G>A. VCF-style: chr12-57490541-G-A. GRCh37 (hg19) VCF-style: chr12-57884324-G-A.
Other names: short protein forms E223K.
Identifiers: ClinVar variation 1681698 (VCV001681698.8), dbSNP rs1249955185, ClinGen allele CA385492372.
Genomic context (GRCh38, chr12:57,490,541, plus strand): 5'-TTTCTTTACCCTGTGGGCCCTCCTCACCTGGTAAGGGATTCTCTCCACTCTTTATAGGAG[G>A]AGGAGCTGGCTACCCTATCTGAGGAGGAGATTGCTATGGCTGTTACTGCTTGGGAGAAGG-3'
Protein context (NP_004981.2, residues 213-233): GRAVTNEPEE[Glu223Lys]ELATLSEEEI

ClinVar aggregate classification (germline): Uncertain significance (1 of 4 stars; one submission).

Conditions:
Severe early-onset pulmonary alveolar proteinosis due to MARS deficiency. Also called: PULMONARY ALVEOLAR PROTEINOSIS, REUNION ISLAND; Interstitial lung and liver disease. Identifiers: Orphanet 440427, MedGen C4225400, MONDO:0014206, OMIM 615486.
Charcot-Marie-Tooth disease axonal type 2U. Also called: CHARCOT-MARIE-TOOTH NEUROPATHY, TYPE 2U; CHARCOT-MARIE-TOOTH DISEASE, AXONAL, AUTOSOMAL DOMINANT, TYPE 2U. Identifiers: Orphanet 397735, MedGen C4084821, MONDO:0014566, OMIM 616280.

Submission:

Labcorp Genetics (formerly Invitae), Labcorp
Classification: Uncertain significance for Charcot-Marie-Tooth disease axonal type 2U; Severe early-onset pulmonary alveolar proteinosis due to MARS deficiency. Last evaluated: 2021-01-20. Review status: criteria provided, single submitter. Criteria: Invitae Variant Classification Sherloc (09022015). Collection method: clinical testing. Allele origin: germline.
Comment: This sequence change replaces glutamic acid with lysine at codon 223 of the MARS protein (p.Glu223Lys). The glutamic acid residue is moderately conserved and there is a small physicochemical difference between glutamic acid and lysine. This variant is not present in population databases (ExAC no frequency). This variant has not been reported in the literature in individuals with MARS-related conditions. Algorithms developed to predict the effect of missense changes on protein structure and function (SIFT, PolyPhen-2, Align-GVGD) all suggest that this variant is likely to be tolerated, but these predictions have not been confirmed by published functional studies and their clinical significance is uncertain. In summary, the available evidence is currently insufficient to determine the role of this variant in disease. Therefore, it has been classified as a Variant of Uncertain Significance.